The following is an entry in ClinVar:

ClinVar aggregate classification (germline): Pathogenic/Likely pathogenic. Review status: criteria provided, multiple submitters, no conflicts (2 of 4 stars). 2 submissions from 2 submitters: Pathogenic (1); Likely pathogenic (1). Last evaluated 2023-03-30.

Conditions:
Arthrogryposis multiplex congenita 6. Identifiers: MedGen C5543431, MONDO:0030281, OMIM 619334.
Nemaline myopathy 2 (NEM2). Also called: Nemaline myopathy 2, autosomal recessive. Identifiers: MedGen C1850569, MONDO:0009725, OMIM 256030.

Submissions (2):

Baylor Genetics
Classification: Likely pathogenic for Arthrogryposis multiplex congenita 6. Last evaluated: 2023-03-30. Review status: criteria provided, single submitter. Criteria: ACMG Guidelines, 2015. Collection method: clinical testing. Allele origin: unknown.

Labcorp Genetics (formerly Invitae), Labcorp
Classification: Pathogenic for Nemaline myopathy 2. Last evaluated: 2022-04-16. Review status: criteria provided, single submitter. Criteria: Invitae Variant Classification Sherloc (09022015). Collection method: clinical testing. Allele origin: germline.
Comment: This variant is not present in population databases (gnomAD no frequency). This sequence change creates a premature translational stop signal (p.Trp5919*) in the NEB gene. It is expected to result in an absent or disrupted protein product. Loss-of-function variants in NEB are known to be pathogenic (PMID: 25205138). This variant has not been reported in the literature in individuals affected with NEB-related conditions. For these reasons, this variant has been classified as Pathogenic.

Literature cited by the submitters: PubMed 25205138 (cited by Labcorp Genetics (formerly Invitae), Labcorp).

NM_001164508.2(NEB):c.17756G>A (p.Trp5919Ter)

Gene: NEB (nebulin; minus strand). Cytogenetic location: 2q23.3.
Variant type: single nucleotide variant.
Coding change: c.17756G>A on transcript NM_001164508.2 (MANE Select); coding-DNA position 17756, G replaced by A.
Protein change: p.Trp5919Ter; replaces tryptophan 5919 with a stop codon.
Molecular consequence: nonsense.
Genome position (GRCh38, 1-based): chr2:151,568,159, C>T on the plus strand (G>A on the coding strand, the complement: NEB is on the minus strand). VCF-style: chr2-151568159-C-T. GRCh37 (hg19) VCF-style: chr2-152424673-C-T.
Other names: c.17756G>A, p.Trp5919Ter (NM_001164507.2, NM_001271208.2); c.12653G>A, p.Trp4218Ter (NM_004543.5); short protein forms W5919*, W4218*.
Identifiers: ClinVar variation 2126631 (VCV002126631.5), dbSNP rs2552194237, ClinGen allele CA348804790.